The following is an entry in ClinVar:

ClinVar aggregate classification (germline): Uncertain significance. Review status: criteria provided, multiple submitters, no conflicts (2 of 4 stars). 4 submissions from 4 submitters: Uncertain significance (4). Last evaluated 2026-07-31.

Conditions:
Dilated cardiomyopathy 1W (CMD1W). Identifiers: Orphanet 154, MedGen C1969639, MONDO:0012667, OMIM 611407.
Cardiovascular phenotype. Identifiers: MedGen CN230736.
Hypertrophic cardiomyopathy 15. Identifiers: MedGen C2750459, MONDO:0013200, OMIM 613255.

Allele frequency attached by ClinVar (database versions not stated): gnomAD 0.00002; gnomAD exomes 0.00002 and 0.00001; TOPMed 0.00002; ESP Exome Variant Server 0.00015; ExAC 0.00002.

Submissions (4):

Ambry Genetics
Classification: Uncertain significance for Cardiovascular phenotype. Last evaluated: 2026-07-31. Review status: criteria provided, single submitter. Criteria: Ambry Variant Classification Scheme 2023. Collection method: clinical testing. Allele origin: germline.
Comment: The p.A969T variant (also known as c.2905G>A), located in coding exon 19 of the VCL gene, results from a G to A substitution at nucleotide position 2905. This variant was reported in individual(s) with features consistent with dilated cardiomyopathy (P&eacute;rez-Serra A et al. Int J Mol Sci, 2024 Mar;25). The alanine at codon 969 is replaced by threonine, an amino acid with similar properties. This amino acid position is highly conserved in available vertebrate species. In addition, this alteration is predicted to be tolerated by in silico analysis. Based on the available evidence, the clinical significance of this variant remains unclear.

Labcorp Genetics (formerly Invitae), Labcorp
Classification: Uncertain significance for Dilated cardiomyopathy 1W. Last evaluated: 2025-12-23. Review status: criteria provided, single submitter. Criteria: Invitae Variant Classification Sherloc (09022015). Collection method: clinical testing. Allele origin: germline.
Comment: This sequence change replaces alanine, which is neutral and non-polar, with threonine, which is neutral and polar, at codon 969 of the VCL protein (p.Ala969Thr). This variant is present in population databases (rs199751261, gnomAD 0.01%). This variant has not been reported in the literature in individuals affected with VCL-related conditions. ClinVar contains an entry for this variant (Variation ID: 618483). An algorithm developed to predict the effect of missense changes on protein structure and function (PolyPhen-2) suggests that this variant is likely to be tolerated. In summary, the available evidence is currently insufficient to determine the role of this variant in disease. Therefore, it has been classified as a Variant of Uncertain Significance.

Fulgent Genetics
Classification: Uncertain significance for Dilated cardiomyopathy 1W; Hypertrophic cardiomyopathy 15. Last evaluated: 2021-10-18. Review status: criteria provided, single submitter. Criteria: ACMG Guidelines, 2015. Collection method: clinical testing. Allele origin: unknown.

ARUP Laboratories, Molecular Genetics and Genomics, ARUP Laboratories
Classification: Uncertain significance. Last evaluated: 2017-12-26. Review status: criteria provided, single submitter. Criteria: ARUP Molecular Germline Variant Investigation Process. Collection method: clinical testing. Allele origin: germline.
Comment: The VCL p.Ala969Thr variant (rs199751261) has not been reported in the medical literature, is not listed in gene-specific variant databases, has not been previously identified in our laboratory, and is listed in the Genome Aggregation Database (gnomAD) browser with an overall allele frequency of 0.0012% (identified in 3 out of 246,210 chromosomes). The alanine at codon 969 is highly conserved considering 13 species up to C. elegans (Alamut software v2.10.0), but computational analyses predict conflicting effects of this variant on protein structure/function (SIFT: tolerated, PolyPhen2: probably damaging, MutationTaster: disease causing). Based on the available information, the clinical significance of the p.Ala969Thr variant cannot be determined with certainty.

Literature cited by the submitters: PubMed 38612618 (cited by Ambry Genetics).

NM_014000.3(VCL):c.2905G>A (p.Ala969Thr)

Gene: VCL (vinculin; plus strand). Cytogenetic location: 10q22.2.
Variant type: single nucleotide variant.
Coding change: c.2905G>A on transcript NM_014000.3 (MANE Select); coding-DNA position 2905, G replaced by A.
Protein change: p.Ala969Thr; replaces alanine 969 with threonine.
Molecular consequence: missense variant. On other transcripts: intron variant (1).
Genome position (GRCh38, 1-based): chr10:74,112,068, G>A. VCF-style: chr10-74112068-G-A. GRCh37 (hg19) VCF-style: chr10-75871826-G-A.
Other names: c.2746-2116G>A (NM_003373.4); short protein forms A969T.
Identifiers: ClinVar variation 618483 (VCV000618483.18), dbSNP rs199751261, ClinGen allele CA5563336.